The following is an entry in ClinVar:

ClinVar aggregate classification (germline): Uncertain significance. Review status: criteria provided, multiple submitters, no conflicts (2 of 4 stars). 2 submissions from 2 submitters: Uncertain significance (2). Last evaluated 2026-06-15.

Conditions:
CREB3L3-related disorder. Also called: CREB3L3-related condition.

Allele frequency attached by ClinVar (database versions not stated): ESP Exome Variant Server 0.00015; gnomAD 0.00023 and 0.00025; TOPMed 0.00023; gnomAD exomes 0.00024 and 0.00052; ExAC 0.00025.
gnomAD v4.1: 791 of 1,613,994 alleles (0.049%); highest among the groups gnomAD compares: Non-Finnish European, 0.063%; 1 homozygote.

Submissions (2):

PreventionGenetics, part of Exact Sciences
Classification: Uncertain significance for CREB3L3-related condition. Last evaluated: 2026-06-15. Review status: criteria provided, single submitter. Criteria: ACMG Guidelines, 2015. Collection method: clinical testing. Allele origin: germline.
Comment: The CREB3L3 c.935A>G variant is predicted to result in the amino acid substitution p.Gln312Arg. This variant has been reported in a cohort study with dyslipidemias (Table S4, Dron et al. 2020. PubMed ID: 32041611). This variant is reported in 0.039% of alleles in individuals of European (Non-Finnish) descent in gnomAD. Although we suspect that this variant may be benign, at this time, the clinical significance of this variant is uncertain due to the absence of conclusive functional and genetic evidence.

Labcorp Genetics (formerly Invitae), Labcorp
Classification: Uncertain significance. Last evaluated: 2026-01-25. Review status: criteria provided, single submitter. Criteria: Invitae Variant Classification Sherloc (09022015). Collection method: clinical testing. Allele origin: germline.
Comment: This sequence change replaces glutamine, which is neutral and polar, with arginine, which is basic and polar, at codon 312 of the CREB3L3 protein (p.Gln312Arg). This variant is present in population databases (rs141474353, gnomAD 0.04%), and has an allele count higher than expected for a pathogenic variant. This missense change has been observed in individual(s) with dyslipidemia (PMID: 32041611). ClinVar contains an entry for this variant (Variation ID: 1523084). Invitae Evidence Modeling of protein sequence and biophysical properties (such as structural, functional, and spatial information, amino acid conservation, physicochemical variation, residue mobility, and thermodynamic stability) indicates that this missense variant is not expected to disrupt CREB3L3 protein function with a negative predictive value of 80%. In summary, the available evidence is currently insufficient to determine the role of this variant in disease. Therefore, it has been classified as a Variant of Uncertain Significance.

Literature cited by the submitters: PubMed 32041611 (cited by Labcorp Genetics (formerly Invitae), Labcorp).

NM_032607.3(CREB3L3):c.935A>G (p.Gln312Arg)

Gene: CREB3L3 (cAMP responsive element binding protein 3 like 3; plus strand). Cytogenetic location: 19p13.3.
Variant type: single nucleotide variant.
Coding change: c.935A>G on transcript NM_032607.3 (MANE Select); coding-DNA position 935, A replaced by G.
Protein change: p.Gln312Arg; replaces glutamine 312 with arginine.
Molecular consequence: missense variant. On other transcripts: synonymous variant (1).
Genome position (GRCh38, 1-based): chr19:4,171,135, A>G. VCF-style: chr19-4171135-A-G. GRCh37 (hg19) VCF-style: chr19-4171132-A-G.
Other names: c.932A>G, p.Gln311Arg (NM_001271995.2); c.929A>G, p.Gln310Arg (NM_001271996.2); c.828A>G, p.Ala276= (NM_001271997.2); c.935A>G (NM_032607.2); short protein forms Q310R, Q311R, Q312R.
Identifiers: ClinVar variation 1523084 (VCV001523084.7), dbSNP rs141474353, ClinGen allele CA9091544.